The following is an entry in ClinVar:

ClinVar aggregate classification (germline): Pathogenic/Likely pathogenic. Review status: criteria provided, multiple submitters, no conflicts (2 of 4 stars). 2 submissions from 2 submitters: Pathogenic (1); Likely pathogenic (1). Last evaluated 2025-11-06.

Conditions:
Propionic acidemia (PROP). Also called: GLYCINEMIA, KETOTIC; HYPERGLYCINEMIA WITH KETOACIDOSIS AND LEUKOPENIA; KETOTIC HYPERGLYCINEMIA. Identifiers: Orphanet 35, MedGen C0268579, MONDO:0011628, OMIM 606054, HP:0003571.

Submissions (2):

Labcorp Genetics (formerly Invitae), Labcorp
Classification: Pathogenic for Propionic acidemia. Last evaluated: 2025-11-06. Review status: criteria provided, single submitter. Criteria: Invitae Variant Classification Sherloc (09022015). Collection method: clinical testing. Allele origin: germline.
Comment: This sequence change creates a premature translational stop signal (p.Arg16Glnfs*18) in the PCCA gene. It is expected to result in an absent or disrupted protein product. Loss-of-function variants in PCCA are known to be pathogenic (PMID: 15464417). This variant is not present in population databases (gnomAD no frequency). This premature translational stop signal has been observed in individual(s) with propionic acidemia (internal data). ClinVar contains an entry for this variant (Variation ID: 659677). For these reasons, this variant has been classified as Pathogenic.

Natera, Inc.
Classification: Likely pathogenic for Propionic acidemia. Last evaluated: 2025-01-30. Review status: criteria provided, single submitter. Criteria: Natera Variant Classification Schema (03/2026). Collection method: clinical testing. Allele origin: germline.
Comment: The c.24_46dupAGCACCGCTGGTCGCTGCCGGAC variant in PCCA is a frameshift variant predicted to shift the reading frame beginning at codon 16 and leads to a stop codon 18 codons downstream. This variant is expected to result in nonsense mediated decay, truncation, or a dysfunctional protein product. This variant is rare in the general population with a frequency below the threshold expected for the associated phenotype(s). Given the available evidence, this variant is classified as Likely Pathogenic.

Literature cited by the submitters: PubMed 15464417 (cited by Labcorp Genetics (formerly Invitae), Labcorp).

NM_000282.4(PCCA):c.24_46dup (p.Arg16fs)

Gene: PCCA (propionyl-CoA carboxylase subunit alpha; plus strand). Cytogenetic location: 13q32.3.
Variant type: Duplication.
Coding change: c.24_46dup on transcript NM_000282.4 (MANE Select); coding-DNA positions 24 to 46, 23 bases duplicated (AGCACCGCTGGTCGCTGCCGGAC).
Protein change: p.Arg16fs; shifts the reading frame from arginine 16.
Molecular consequence: frameshift variant. On other transcripts: non-coding transcript variant (5), 5 prime UTR variant (3).
Genome position (GRCh38, 1-based): chr13:100,089,144-100,089,166, AGCACCGCTGGTCGCTGCCGGAC duplicated; duplicating any 23 consecutive bases within chr13:100,089,140-100,089,166 gives the same sequence; the c. name uses the placement nearest the transcript's 3' end. VCF-style (leftmost placement, unchanged base first): chr13-100089139-G-GGGACAGCACCGCTGGTCGCTGCC. GRCh37 (hg19) VCF-style: chr13-100741393-G-GGGACAGCACCGCTGGTCGCTGCC.
Other names: c.24_46dup, p.Arg16fs (NM_001178004.2, NM_001352605.2, NM_001352606.2 and 4 more transcripts); c.24_46dupAGCACCGCTGGTCGCTGCCGGAC (NM_000282.3); c.-843_-821dup (NM_001352610.2, NM_001352611.2, NM_001352612.2); short protein forms R16fs.
Identifiers: ClinVar variation 659677 (VCV000659677.7), dbSNP rs999936193, ClinGen allele CA255963366.